The following is an entry in ClinVar:

NM_019892.6(INPP5E):c.925C>T (p.Gln309Ter)

Gene: INPP5E (inositol polyphosphate-5-phosphatase E; minus strand). Cytogenetic location: 9q34.3.
Variant type: single nucleotide variant.
Coding change: c.925C>T on transcript NM_019892.6 (MANE Select); coding-DNA position 925, C replaced by T.
Protein change: p.Gln309Ter; replaces glutamine 309 with a stop codon.
Molecular consequence: nonsense.
Genome position (GRCh38, 1-based): chr9:136,434,751, G>A on the plus strand (C>T on the coding strand, the complement: INPP5E is on the minus strand). VCF-style: chr9-136434751-G-A. GRCh37 (hg19) VCF-style: chr9-139329203-G-A.
Other names: c.925C>T, p.Gln309Ter (NM_001318502.2); short protein forms Q309*.
Identifiers: ClinVar variation 2198850 (VCV002198850.4), dbSNP rs568204894, ClinGen allele CA201644727.
Genomic context (GRCh38, chr9:136,434,751, plus strand): 5'-CCAGCACCACCCCACCCTTCCCCGCCCAGCACCACCCACAGCCACTCACCTTCTGGCCCT[G>A]CATGTTCCAGGTGGCCACGAAGAGTGCCACGTTCCGGTCTGGGAAGTAGCGGGCCAGCTC-3'

ClinVar aggregate classification (germline): Pathogenic (1 of 4 stars; one submission).

Conditions:
Joubert syndrome. Also called: CEREBELLOPARENCHYMAL DISORDER IV; JOUBERT-BOLTSHAUSER SYNDROME; Familial aplasia of the vermis. Identifiers: Orphanet 475, MedGen C5979921, MONDO:0018772.

Allele frequency attached by ClinVar (database versions not stated): TOPMed 0.00001.
gnomAD v4.1: 5 of 1,610,316 alleles (0.00031%); highest among the groups gnomAD compares: South Asian, 0.0011%; no homozygotes.

Submission:

Labcorp Genetics (formerly Invitae), Labcorp
Classification: Pathogenic for Joubert syndrome. Last evaluated: 2023-12-21. Review status: criteria provided, single submitter. Criteria: Invitae Variant Classification Sherloc (09022015). Collection method: clinical testing. Allele origin: germline.
Comment: This sequence change creates a premature translational stop signal (p.Gln309*) in the INPP5E gene. It is expected to result in an absent or disrupted protein product. Loss-of-function variants in INPP5E are known to be pathogenic (PMID: 19668216, 23034536, 23386033, 28125082). This variant is not present in population databases (gnomAD no frequency). This premature translational stop signal has been observed in individual(s) with clinical features of INPP5E-related conditions (PMID: 24257694, 32304219). ClinVar contains an entry for this variant (Variation ID: 2198850). For these reasons, this variant has been classified as Pathogenic.

Literature cited by the submitters: PubMed 19668216; PubMed 23034536; PubMed 23386033; PubMed 28125082; PubMed 24257694; PubMed 32304219.